The following is an entry in ClinVar:

NM_181741.4(ORC4):c.763-9del

Gene: ORC4 (origin recognition complex subunit 4; minus strand). Cytogenetic location: 2q23.1.
Variant type: Deletion.
Coding change: c.763-9del on transcript NM_181741.4 (MANE Select); 9 bases into the intron before coding-DNA position 763, one base deleted (T; older notation c.763-9delT).
Molecular consequence: intron variant.
Genome position (GRCh38, 1-based): chr2:147,943,531, A deleted on the plus strand (T on the coding strand, the reverse complement: ORC4 is on the minus strand); the first of 15 consecutive A bases (chr2:147,943,531-147,943,545); deleting any one gives the same sequence. VCF-style (leftmost placement, unchanged base first): chr2-147943530-GA-G. GRCh37 (hg19) VCF-style: chr2-148701099-GA-G.
Other names: c.763-9del (NM_181742.4, NM_001190879.3, NM_002552.5 and 1 more transcripts); c.511-9del (NM_001190881.3, NM_001374272.1); c.541-9del (NM_001190882.3); c.763-9delT (NM_001190879.2).
Identifiers: ClinVar variation 403280 (VCV000403280.11), dbSNP rs66919703, ClinGen allele CA1899509.

ClinVar aggregate classification (germline): Benign/Likely benign. Review status: criteria provided, multiple submitters, no conflicts (2 of 4 stars). 5 submissions from 5 submitters: Benign (4); Likely benign (1). Last evaluated 2024-11-26.

Conditions:
Meier-Gorlin syndrome 2 (MGORS2). Identifiers: Orphanet 2554, MedGen C3151097, MONDO:0013428, OMIM 613800.

Submissions (5):

Blueprint Genetics
Classification: Likely benign. Last evaluated: 2024-11-26. Review status: criteria provided, single submitter. Criteria: ACMG Guidelines, 2015. Collection method: clinical testing. Allele origin: germline.

Fulgent Genetics
Classification: Benign for Meier-Gorlin syndrome 2. Last evaluated: 2022-02-09. Review status: criteria provided, single submitter. Criteria: ACMG Guidelines, 2015. Collection method: clinical testing. Allele origin: unknown.

Genome-Nilou Lab
Classification: Benign for Meier-Gorlin syndrome 2. Last evaluated: 2021-09-05. Review status: criteria provided, single submitter. Criteria: ACMG Guidelines, 2015. Collection method: clinical testing. Allele origin: germline. Affected: no.

GeneDx
Classification: Benign. Last evaluated: 2020-04-22. Review status: criteria provided, single submitter. Criteria: GeneDx Variant Classification Process June 2021. Collection method: clinical testing. Allele origin: germline. Affected: yes.

Laboratory for Molecular Medicine, Mass General Brigham Personalized Medicine
Classification: Benign. Last evaluated: 2016-03-28. Review status: criteria provided, single submitter. Criteria: LMM Criteria. Collection method: clinical testing. Allele origin: germline.
Comment: Variant identified in a genome or exome case(s) and assessed due to predicted null impact of the variant or pathogenic assertions in the literature or databases. Disclaimer: This variant has not undergone full assessment. The following are preliminary notes: Frequency